The following is an entry in ClinVar:

ClinVar aggregate classification (germline): Uncertain significance (1 of 4 stars; one submission).

Allele frequency attached by ClinVar (database versions not stated): ExAC 0.00005.

Submission:

Quest Diagnostics Nichols Institute San Juan Capistrano
Classification: Uncertain significance. Last evaluated: 2023-05-10. Review status: criteria provided, single submitter. Criteria: Quest Diagnostics criteria. Collection method: clinical testing. Allele origin: unknown.
Comment: To the best of our knowledge, this variant has not been reported in the published literature. It also has not been reported in large, multi-ethnic general populations. Analysis of this variant using software algorithms for the prediction of the effect of nucleotide changes on splicing yielded predictions that this variant does not affect RECQL mRNA splicing . Based on the available information, we are unable to determine the clinical significance of this variant.

NM_002907.4(RECQL):c.395-9del

Gene: RECQL (RecQ like helicase; minus strand). Cytogenetic location: 12p12.1.
Variant type: Deletion.
Coding change: c.395-9del on transcript NM_002907.4 (MANE Select); 9 bases into the intron before coding-DNA position 395, one base deleted (C; older notation c.395-9delC).
Molecular consequence: intron variant.
Genome position (GRCh38, 1-based): chr12:21,486,594, G deleted on the plus strand (C on the coding strand, the reverse complement: RECQL is on the minus strand). VCF-style (leftmost placement, unchanged base first): chr12-21486593-AG-A. GRCh37 (hg19) VCF-style: chr12-21639527-AG-A.
Other names: c.395-9del (NM_032941.3).
Identifiers: ClinVar variation 2682072 (VCV002682072.1), dbSNP rs770737817, ClinGen allele CA6479093.